The following is an entry in ClinVar:

ClinVar aggregate classification (germline): Benign. Review status: criteria provided, multiple submitters, no conflicts (2 of 4 stars). 12 submissions from 11 submitters: Benign (9). 3 of the submissions do not count toward it. Last evaluated 2026-02-04.

Conditions:
Joubert syndrome 1 (JBTS1). Also called: Cerebellooculorenal syndrome 1; CEREBELLOPARENCHYMAL DISORDER IV. Identifiers: MedGen C4551568, MONDO:0008944, OMIM 213300.
MORM syndrome (MORMS). Identifiers: Orphanet 75858, MedGen C1857802, MONDO:0012423, OMIM 610156.
Joubert syndrome. Also called: Familial aplasia of the vermis; JOUBERT-BOLTSHAUSER SYNDROME. Identifiers: Orphanet 475, MedGen C5979921, MONDO:0018772.

Allele frequency attached by ClinVar (database versions not stated): 1000 Genomes Project 0.37780; 1000 Genomes Project 30x 0.38741; ExAC 0.40043; ESP Exome Variant Server 0.40721; gnomAD exomes 0.42055 and 0.44127; gnomAD 0.42086 and 0.42571; TOPMed 0.43563.
gnomAD v4.1: 675,953 of 1,540,556 alleles (44%); highest among the groups gnomAD compares: Admixed American, 55%; 151,687 homozygotes.

Submissions (12):

Labcorp Genetics (formerly Invitae), Labcorp
Classification: Benign for Joubert syndrome. Last evaluated: 2026-02-04. Review status: criteria provided, single submitter. Criteria: Invitae Variant Classification Sherloc (09022015). Collection method: clinical testing. Allele origin: germline.

Blueprint Genetics
Classification: Benign. Last evaluated: 2024-11-27. Review status: criteria provided, single submitter. Criteria: ACMG Guidelines, 2015. Collection method: clinical testing. Allele origin: germline.

Mayo Clinic Laboratories, Mayo Clinic
Classification: Benign. Last evaluated: 2022-03-09. Review status: criteria provided, single submitter. Criteria: ACMG Guidelines, 2015. Collection method: clinical testing. Allele origin: germline. Observed: 49 variant alleles.

Genome-Nilou Lab
Classification: Benign for Joubert syndrome 1. Last evaluated: 2021-08-19. Review status: criteria provided, single submitter. Criteria: ACMG Guidelines, 2015. Collection method: clinical testing. Allele origin: germline. Affected: no.

Genome-Nilou Lab
Classification: Benign for MORM syndrome. Last evaluated: 2021-08-19. Review status: criteria provided, single submitter. Criteria: ACMG Guidelines, 2015. Collection method: clinical testing. Allele origin: germline. Affected: no.

Illumina Laboratory Services, Illumina
Classification: Benign for Joubert syndrome 1. Last evaluated: 2018-01-13. Review status: criteria provided, single submitter. Criteria: ICSL Variant Classification Criteria 13 December 2019. Collection method: clinical testing. Allele origin: germline.
Comment: This variant was observed in the ICSL laboratory as part of a predisposition screen in an ostensibly healthy population. It had not been previously curated by ICSL or reported in the Human Gene Mutation Database (HGMD: prior to June 1st, 2018), and was therefore a candidate for classification through an automated scoring system. Utilizing variant allele frequency, disease prevalence and penetrance estimates, and inheritance mode, an automated score was calculated to assess if this variant is too frequent to cause the disease. Based on the score and internal cut-off values, a variant classified as benign is not then subjected to further curation. The score for this variant resulted in a classification of benign for this disease.

GeneDx
Classification: Benign. Last evaluated: 2015-03-03. Review status: criteria provided, single submitter. Criteria: GeneDx Variant Classification Process June 2021. Collection method: clinical testing. Allele origin: germline. Affected: yes.

Breakthrough Genomics
Classification: Benign. Review status: criteria provided, single submitter. Criteria: ACMG Guidelines, 2015. Collection method: not provided. Allele origin: germline. Inheritance: Autosomal recessive inheritance. Affected: yes.

PreventionGenetics, part of Exact Sciences
Classification: Benign. Review status: criteria provided, single submitter. Criteria: ACMG Guidelines, 2015. Collection method: clinical testing. Allele origin: germline.

Clinical Genetics DNA and cytogenetics Diagnostics Lab, Erasmus MC, Erasmus Medical Center
Classification: Benign. Review status: no assertion criteria provided. Collection method: clinical testing. Allele origin: germline. Affected: yes. Study: VKGL Data-share Consensus. Not counted in ClinVar's aggregate classification.

Diagnostic Laboratory, Department of Genetics, University Medical Center Groningen
Classification: Benign. Review status: no assertion criteria provided. Collection method: clinical testing. Allele origin: germline. Affected: yes. Study: VKGL Data-share Consensus. Not counted in ClinVar's aggregate classification.

Genetic Services Laboratory, University of Chicago
Classification: Likely benign for AllHighlyPenetrant. Review status: no assertion criteria provided. Collection method: clinical testing. Allele origin: germline. Inheritance: Autosomal recessive inheritance. Not counted in ClinVar's aggregate classification.
Comment: Likely benign based on allele frequency in 1000 Genomes Project or ESP global frequency and its presence in a patient with a rare or unrelated disease phenotype. NOT Sanger confirmed.

NM_019892.6(INPP5E):c.1284T>C (p.Gly428=)

Gene: INPP5E (inositol polyphosphate-5-phosphatase E; minus strand). Cytogenetic location: 9q34.3.
Variant type: single nucleotide variant.
Coding change: c.1284T>C on transcript NM_019892.6 (MANE Select); coding-DNA position 1284, T replaced by C.
Protein change: p.Gly428=; no amino-acid change (glycine 428 retained).
Molecular consequence: synonymous variant.
Genome position (GRCh38, 1-based): chr9:136,432,582, A>G on the plus strand (T>C on the coding strand, the complement: INPP5E is on the minus strand). VCF-style: chr9-136432582-A-G. GRCh37 (hg19) VCF-style: chr9-139327034-A-G.
Other names: p.Gly428=; c.1281T>C, p.Cys427= (NM_001318502.2).
Identifiers: ClinVar variation 129266 (VCV000129266.31), dbSNP rs10870194, ClinGen allele CA153156.